The following is an entry in ClinVar:

NM_000760.4(CSF3R):c.1777G>A (p.Ala593Thr)

Gene: CSF3R (colony stimulating factor 3 receptor; minus strand). Cytogenetic location: 1p34.3.
Variant type: single nucleotide variant.
Coding change: c.1777G>A on transcript NM_000760.4 (MANE Select); coding-DNA position 1777, G replaced by A.
Protein change: p.Ala593Thr; replaces alanine 593 with threonine.
Molecular consequence: missense variant.
Genome position (GRCh38, 1-based): chr1:36,467,909, C>T on the plus strand (G>A on the coding strand, the complement: CSF3R is on the minus strand). VCF-style: chr1-36467909-C-T. GRCh37 (hg19) VCF-style: chr1-36933510-C-T.
Other names: c.1777G>A, p.Ala593Thr (NM_156039.3, NM_172313.3); short protein forms A593T.
Identifiers: ClinVar variation 2742692 (VCV002742692.4), dbSNP rs754739637, ClinGen allele CA769073.
Genomic context (GRCh38, chr1:36,467,909, plus strand): 5'-CTGTACTGTTGGTGGCCCCAGCCTGGCTGGCAGCCATGAGGTGGATGTGATACAGACTGG[C>T]GGGCTCCAGGCCATGGAGGACAAAGCCACGGGAGGAGGCATTCAGGATGGCGGCTGGGAG-3'
Protein context (NP_000751.1, residues 583-603): RGFVLHGLEP[Ala593Thr]SLYHIHLMAA

ClinVar aggregate classification (germline): Uncertain significance. Review status: criteria provided, multiple submitters, no conflicts (2 of 4 stars). 2 submissions from 2 submitters: Uncertain significance (2). Last evaluated 2026-02-06.

Conditions:
Autosomal recessive severe congenital neutropenia due to CSF3R deficiency. Also called: Neutropenia, severe congenital, 7, autosomal recessive. Identifiers: Orphanet 420702, MedGen C4310764, MONDO:0014865, OMIM 617014.

Allele frequency attached by ClinVar (database versions not stated): gnomAD 0.00003; TOPMed 0.00005.
gnomAD v4.1: 43 of 1,614,078 alleles (0.0027%); highest among the groups gnomAD compares: Admixed American, 0.015%; no homozygotes.

Submissions (2):

Women's Health and Genetics/Laboratory Corporation of America, LabCorp
Classification: Uncertain significance. Last evaluated: 2026-02-06. Review status: criteria provided, single submitter. Criteria: LabCorp Variant Classification Summary - May 2015. Collection method: clinical testing. Allele origin: germline.
Comment: Variant summary: CSF3R c.1777G>A (p.Ala593Thr) results in a non-conservative amino acid change located in the Fibronectin type III repeat domain (IPR003961) of the encoded protein sequence. Algorithms developed to predict the effect of missense changes on protein structure and function are either unavailable or do not agree on the potential impact of this missense change. The variant allele was found at a frequency of 3.2e-05 in 251308 control chromosomes. The available data on variant occurrences in the general population are insufficient to allow any conclusion about variant significance. To our knowledge, no occurrence of c.1777G>A in individuals affected with CSF3R-related conditions and no experimental evidence demonstrating its impact on protein function have been reported. ClinVar contains an entry for this variant (Variation ID: 2742692). Based on the evidence outlined above, the variant was classified as uncertain significance.

Labcorp Genetics (formerly Invitae), Labcorp
Classification: Uncertain significance for Autosomal recessive severe congenital neutropenia due to CSF3R deficiency. Last evaluated: 2025-11-04. Review status: criteria provided, single submitter. Criteria: Invitae Variant Classification Sherloc (09022015). Collection method: clinical testing. Allele origin: germline.
Comment: This sequence change replaces alanine, which is neutral and non-polar, with threonine, which is neutral and polar, at codon 593 of the CSF3R protein (p.Ala593Thr). This variant is present in population databases (rs754739637, gnomAD 0.01%). This variant has not been reported in the literature in individuals affected with CSF3R-related conditions. ClinVar contains an entry for this variant (Variation ID: 2742692). Invitae Evidence Modeling of protein sequence and biophysical properties (such as structural, functional, and spatial information, amino acid conservation, physicochemical variation, residue mobility, and thermodynamic stability) indicates that this missense variant is not expected to disrupt CSF3R protein function with a negative predictive value of 80%. In summary, the available evidence is currently insufficient to determine the role of this variant in disease. Therefore, it has been classified as a Variant of Uncertain Significance.

Literature cited by the submitters: PubMed 23896413 (cited by Women's Health and Genetics/Laboratory Corporation of America, LabCorp); PubMed 28302714 (cited by Women's Health and Genetics/Laboratory Corporation of America, LabCorp); PubMed 24627528 (cited by Women's Health and Genetics/Laboratory Corporation of America, LabCorp); PubMed 23656643 (cited by Women's Health and Genetics/Laboratory Corporation of America, LabCorp); PubMed 23604229 (cited by Women's Health and Genetics/Laboratory Corporation of America, LabCorp); PubMed 22371884 (cited by Women's Health and Genetics/Laboratory Corporation of America, LabCorp); PubMed 31041512 (cited by Women's Health and Genetics/Laboratory Corporation of America, LabCorp); PubMed 27069254 (cited by Women's Health and Genetics/Laboratory Corporation of America, LabCorp).